The following is an entry in ClinVar:

NM_032387.5(WNK4):c.262G>C (p.Asp88His)

Gene: WNK4 (WNK lysine deficient protein kinase 4; plus strand). Cytogenetic location: 17q21.2.
Variant type: single nucleotide variant.
Coding change: c.262G>C on transcript NM_032387.5 (MANE Select); coding-DNA position 262, G replaced by C.
Protein change: p.Asp88His; replaces aspartic acid 88 with histidine.
Molecular consequence: missense variant. On other transcripts: 5 prime UTR variant (1).
Genome position (GRCh38, 1-based): chr17:42,780,960, G>C. VCF-style: chr17-42780960-G-C. GRCh37 (hg19) VCF-style: chr17-40932978-G-C.
Other names: c.-658G>C (NM_001321299.2); short protein forms D88H.
Identifiers: ClinVar variation 3190685 (VCV003190685.3), dbSNP rs375244096, ClinGen allele CA8583658.

ClinVar aggregate classification (germline): Uncertain significance. Review status: criteria provided, multiple submitters, no conflicts (2 of 4 stars). 2 submissions from 2 submitters: Uncertain significance (2). Last evaluated 2024-02-07.

Conditions:
Inborn genetic diseases. Identifiers: MedGen C0950123, MeSH D030342.

Allele frequency attached by ClinVar (database versions not stated): TOPMed below 0.00001; ExAC 0.00001; gnomAD 0.00001; ESP Exome Variant Server 0.00008.

Submissions (2):

Labcorp Genetics (formerly Invitae), Labcorp
Classification: Uncertain significance. Last evaluated: 2024-02-07. Review status: criteria provided, single submitter. Criteria: Invitae Variant Classification Sherloc (09022015). Collection method: clinical testing. Allele origin: germline.
Comment: This sequence change replaces aspartic acid, which is acidic and polar, with histidine, which is basic and polar, at codon 88 of the WNK4 protein (p.Asp88His). This variant is present in population databases (rs375244096, gnomAD 0.003%). This variant has not been reported in the literature in individuals affected with WNK4-related conditions. Advanced modeling of protein sequence and biophysical properties (such as structural, functional, and spatial information, amino acid conservation, physicochemical variation, residue mobility, and thermodynamic stability) performed at Invitae indicates that this missense variant is not expected to disrupt WNK4 protein function with a negative predictive value of 95%. In summary, the available evidence is currently insufficient to determine the role of this variant in disease. Therefore, it has been classified as a Variant of Uncertain Significance.

Ambry Genetics
Classification: Uncertain significance for Inborn genetic diseases. Last evaluated: 2023-10-16. Review status: criteria provided, single submitter. Criteria: Ambry Variant Classification Scheme 2023. Collection method: clinical testing. Allele origin: germline.